The following is an entry in ClinVar:

NM_000202.8(IDS):c.922G>C (p.Asp308His)

Genes: IDS (iduronate 2-sulfatase; minus strand), LOC106050102 (IDS recombination region; plus strand). Cytogenetic location: Xq28.
Variant type: single nucleotide variant.
Coding change: c.922G>C on transcript NM_000202.8 (MANE Select); coding-DNA position 922, G replaced by C.
Protein change: p.Asp308His; replaces aspartic acid 308 with histidine.
Molecular consequence: missense variant. On other transcripts: non-coding transcript variant (1).
Genome position (GRCh38, 1-based): chrX:149,490,398, C>G on the plus strand (G>C on the coding strand, the complement: IDS is on the minus strand). VCF-style: chrX-149490398-C-G. GRCh37 (hg19) VCF-style: chrX-148571929-C-G.
Other names: c.652G>C, p.Asp218His (NM_001166550.4); c.922G>C, p.Asp308His (NM_006123.5); short protein forms D218H, D308H.
Identifiers: ClinVar variation 1065311 (VCV001065311.3), dbSNP rs2124020573, ClinGen allele CA414520301.

ClinVar aggregate classification (germline): Likely pathogenic. Review status: criteria provided, single submitter (1 of 4 stars). 2 submissions from 2 submitters: Likely pathogenic (1). 1 of the submissions does not count toward it. Last evaluated 2024-06-07.

Conditions:
Mucopolysaccharidosis, MPS-II (MPS2). Also called: IDS deficiency; Sulfoiduronate sulfatase deficiency; SIDS deficiency; Hunter Syndrome; IDURONATE 2-SULFATASE DEFICIENCY; Mucopolysaccharidosis Type II. Identifiers: Orphanet 580, Orphanet 79388, MedGen C0026705, MONDO:0010674, OMIM 309900.

Submissions (2):

Laboratory of Diagnosis and Therapy of Lysosomal Disorders, University of Padova
Classification: Likely pathogenic for Mucopolysaccharidosis, MPS-II. Last evaluated: 2024-06-07. Review status: criteria provided, single submitter. Criteria: ACMG Guidelines, 2015. Collection method: literature only. Allele origin: germline. Affected: yes. Observed: 4 variant alleles.
Comment: Absent from controls (or at low frequency) in gnomAD database (PM2_Moderate), Missense change at the same amino acid residue as a pathogenic variant (PM5_Moderate), Missense variant in a gene with a low rate of benign missense variation (PP2_Supporting), Multiple lines of computational evidence support a deleterious effect (PP3_Supporting), Patient’s phenotype or family history highly specific for the disease (PP4_Moderate)

Classification method: ACMG Guidelines [PMID:25741868] with modifications

Division of Medical Genetics, Department of Pediatrics, All India Institute of Medical Sciences, New Delhi
Classification: Likely pathogenic for Mucopolysaccharidosis, MPS-II. Last evaluated: 2014-06-01. Review status: no assertion criteria provided. Collection method: research. Allele origin: germline. Inheritance: X-linked recessive inheritance. Affected: yes. Observed: 1 variant allele, 1 hemizygote. Not counted in ClinVar's aggregate classification.
Comment: The change c.922G>C (p.D308H) was a missense variant, where the acidic polar negative amino acid Aspartic acid at 333 position was substituted by aromatic basic polar amino acid Histidine.

Literature cited by the submitters: PubMed 35144014 (cited by Laboratory of Diagnosis and Therapy of Lysosomal Disorders, University of Padova); PubMed 24125893 (cited by Laboratory of Diagnosis and Therapy of Lysosomal Disorders, University of Padova); PubMed 33960103 (cited by Laboratory of Diagnosis and Therapy of Lysosomal Disorders, University of Padova); PubMed 36945845 (cited by Laboratory of Diagnosis and Therapy of Lysosomal Disorders, University of Padova).